The following is an entry in ClinVar:

ClinVar aggregate classification (germline): Uncertain significance. Review status: criteria provided, multiple submitters, no conflicts (2 of 4 stars). 2 submissions from 2 submitters: Uncertain significance (2). Last evaluated 2025-10-07.

Conditions:
Inborn genetic diseases. Identifiers: MedGen C0950123, MeSH D030342.
Progressive sclerosing poliodystrophy (MTDPS4A). Also called: Mitochondrial DNA depletion syndrome 4A (Alpers type); Mitochondrial DNA Depletion Syndrome 4A; Alpers Syndrome; ALPERS DIFFUSE DEGENERATION OF CEREBRAL GRAY MATTER WITH HEPATIC CIRRHOSIS; Alpers-Huttenlocher Syndrome; ALPERS PROGRESSIVE INFANTILE POLIODYSTROPHY. Identifiers: Orphanet 726, MedGen C0205710, MONDO:0008758, OMIM 203700.

Allele frequency attached by ClinVar (database versions not stated): ExAC 0.00001; gnomAD exomes 0.00001; TOPMed 0.00002.
gnomAD v4.1: 15 of 1,606,796 alleles (0.00093%); highest among the groups gnomAD compares: East Asian, 0.029%; no homozygotes.

Submissions (2):

Labcorp Genetics (formerly Invitae), Labcorp
Classification: Uncertain significance for Progressive sclerosing poliodystrophy. Last evaluated: 2025-10-07. Review status: criteria provided, single submitter. Criteria: Invitae Variant Classification Sherloc (09022015). Collection method: clinical testing. Allele origin: germline.
Comment: This sequence change replaces tryptophan, which is neutral and slightly polar, with glycine, which is neutral and non-polar, at codon 113 of the POLG protein (p.Trp113Gly). This variant is present in population databases (rs746450616, gnomAD 0.02%). This variant has not been reported in the literature in individuals affected with POLG-related conditions. ClinVar contains an entry for this variant (Variation ID: 587823). Invitae Evidence Modeling of protein sequence and biophysical properties (such as structural, functional, and spatial information, amino acid conservation, physicochemical variation, residue mobility, and thermodynamic stability) indicates that this missense variant is expected to disrupt POLG protein function with a positive predictive value of 95%. Experimental studies have shown that this missense change affects POLG function (PMID: 27987238). In summary, the available evidence is currently insufficient to determine the role of this variant in disease. Therefore, it has been classified as a Variant of Uncertain Significance.

Ambry Genetics
Classification: Uncertain significance for Inborn genetic diseases. Last evaluated: 2016-04-20. Review status: criteria provided, single submitter. Criteria: Ambry Variant Classification Scheme 2023. Collection method: clinical testing. Allele origin: germline.
Comment: The p.W113G variant (also known as c.337T>G), located in coding exon 1 of the POLG gene, results from a T to G substitution at nucleotide position 337. The tryptophan at codon 113 is replaced by glycine, an amino acid with highly dissimilar properties. This variant was not reported in population based cohorts in the following databases: Database of Single Nucleotide Polymorphisms (dbSNP), NHLBI Exome Sequencing Project (ESP), and 1000 Genomes Project. In the ESP, this variant was not observed in 6495 samples (12990 alleles) with coverage at this position. This amino acid position is highly conserved in available vertebrate species. In addition, this alteration is predicted to be deleterious by in silico analysis. Since supporting evidence is limited at this time, the clinical significance of this alteration remains unclear.

Literature cited by the submitters: PubMed 27987238 (cited by Labcorp Genetics (formerly Invitae), Labcorp).

NM_002693.3(POLG):c.337T>G (p.Trp113Gly)

Genes: POLG (DNA polymerase gamma, catalytic subunit; minus strand), POLGARF (POLG alternative reading frame; minus strand). Cytogenetic location: 15q26.1.
Variant type: single nucleotide variant.
Coding change: c.337T>G on transcript NM_002693.3 (MANE Select); coding-DNA position 337, T replaced by G.
Protein change: p.Trp113Gly; replaces tryptophan 113 with glycine.
Molecular consequence: missense variant.
Genome position (GRCh38, 1-based): chr15:89,333,418, A>C on the plus strand (T>G on the coding strand, the complement: POLG is on the minus strand). VCF-style: chr15-89333418-A-C. GRCh37 (hg19) VCF-style: chr15-89876649-A-C.
Other names: c.337T>G, p.Trp113Gly (NM_001126131.2); short protein forms W113G.
Identifiers: ClinVar variation 587823 (VCV000587823.7), dbSNP rs746450616, ClinGen allele CA7725130.